The following is an entry in ClinVar:

ClinVar aggregate classification (germline): Uncertain significance (1 of 4 stars; one submission).

Allele frequency attached by ClinVar (database versions not stated): ExAC 0.00001; gnomAD 0.00001; gnomAD exomes 0.00001; TOPMed 0.00001.
gnomAD v4.1: 12 of 1,613,338 alleles (0.00074%); highest among the groups gnomAD compares: Admixed American, 0.0033%; no homozygotes.

Submission:

Labcorp Genetics (formerly Invitae), Labcorp
Classification: Uncertain significance. Last evaluated: 2022-07-17. Review status: criteria provided, single submitter. Criteria: Invitae Variant Classification Sherloc (09022015). Collection method: clinical testing. Allele origin: germline.
Comment: This sequence change replaces glycine, which is neutral and non-polar, with arginine, which is basic and polar, at codon 962 of the DOCK6 protein (p.Gly962Arg). The frequency data for this variant in the population databases is considered unreliable, as metrics indicate poor data quality at this position in the gnomAD database. This variant has not been reported in the literature in individuals affected with DOCK6-related conditions. Algorithms developed to predict the effect of missense changes on protein structure and function (SIFT, PolyPhen-2, Align-GVGD) all suggest that this variant is likely to be tolerated. Algorithms developed to predict the effect of sequence changes on RNA splicing suggest that this variant may create or strengthen a splice site. In summary, the available evidence is currently insufficient to determine the role of this variant in disease. Therefore, it has been classified as a Variant of Uncertain Significance.

NM_020812.4(DOCK6):c.2884G>A (p.Gly962Arg)

Gene: DOCK6 (dedicator of cytokinesis 6; minus strand). Cytogenetic location: 19p13.2.
Variant type: single nucleotide variant.
Coding change: c.2884G>A on transcript NM_020812.4 (MANE Select); coding-DNA position 2884, G replaced by A.
Protein change: p.Gly962Arg; replaces glycine 962 with arginine.
Molecular consequence: missense variant.
Genome position (GRCh38, 1-based): chr19:11,227,408, C>T on the plus strand (G>A on the coding strand, the complement: DOCK6 is on the minus strand). VCF-style: chr19-11227408-C-T. GRCh37 (hg19) VCF-style: chr19-11338084-C-T.
Other names: c.2989G>A, p.Gly997Arg (NM_001367830.1); short protein forms G962R, G997R.
Identifiers: ClinVar variation 1935999 (VCV001935999.5), dbSNP rs751035858, ClinGen allele CA9207450.